The following is an entry in ClinVar:

NM_001203.3(BMPR1B):c.762G>C (p.Arg254Ser)

Gene: BMPR1B (bone morphogenetic protein receptor type 1B; plus strand). Cytogenetic location: 4q22.3.
Variant type: single nucleotide variant.
Coding change: c.762G>C on transcript NM_001203.3 (MANE Select); coding-DNA position 762, G replaced by C.
Protein change: p.Arg254Ser; replaces arginine 254 with serine.
Molecular consequence: missense variant.
Genome position (GRCh38, 1-based): chr4:95,130,038, G>C. VCF-style: chr4-95130038-G-C. GRCh37 (hg19) VCF-style: chr4-96051189-G-C.
Other names: c.762G>C, p.Arg254Ser (NM_001256792.2, NM_001256794.1); c.852G>C, p.Arg284Ser (NM_001256793.2); short protein forms R254S, R284S.
Identifiers: ClinVar variation 1315631 (VCV001315631.2), dbSNP rs200198618, ClinGen allele CA357681646.

ClinVar aggregate classification (germline): Uncertain significance (1 of 4 stars; one submission).

Submission:

GeneDx
Classification: Uncertain significance. Last evaluated: 2020-02-10. Review status: criteria provided, single submitter. Criteria: GeneDx Variant Classification Process June 2021. Collection method: clinical testing. Allele origin: germline. Affected: yes.
Comment: Has not been previously published as pathogenic or benign to our knowledge; Not observed in large population cohorts (Lek et al., 2016); In silico analysis supports that this missense variant has a deleterious effect on protein structure/function